The following is an entry in ClinVar:

NM_005445.4(SMC3):c.181C>T (p.Arg61Trp)

Gene: SMC3 (structural maintenance of chromosomes 3; plus strand). Cytogenetic location: 10q25.2.
Variant type: single nucleotide variant.
Coding change: c.181C>T on transcript NM_005445.4 (MANE Select); coding-DNA position 181, C replaced by T.
Protein change: p.Arg61Trp; replaces arginine 61 with tryptophan.
Molecular consequence: missense variant.
Genome position (GRCh38, 1-based): chr10:110,575,386, C>T. VCF-style: chr10-110575386-C-T. GRCh37 (hg19) VCF-style: chr10-112335144-C-T.
Other names: short protein forms R61W.
Identifiers: ClinVar variation 620076 (VCV000620076.7), dbSNP rs866273473, ClinGen allele CA213226657.
Genomic context (GRCh38, chr10:110,575,386, plus strand): 5'-GTATTTCCAGCAATTCAGTTTGTTCTCAGTGATGAGTTTAGTCATCTTCGTCCAGAACAG[C>T]GGTTGGCTTTATTGCATGTGAGTGAGACTGCTTTAAGACATTATTGATATTACATATATT-3'
Protein context (NP_005436.1, residues 51-71): DEFSHLRPEQ[Arg61Trp]LALLHEGTGP

ClinVar aggregate classification (germline): Conflicting classifications of pathogenicity. Review status: criteria provided, conflicting classifications (1 of 4 stars). 3 submissions from 3 submitters: Likely pathogenic (2); Uncertain significance (1). Last evaluated 2023-04-14.

Conditions:
Cornelia de Lange syndrome 3 (CDLS3). Also called: SMC3-Related Cornelia de Lange Syndrome; CORNELIA DE LANGE SYNDROME 3 WITH OR WITHOUT MIDLINE BRAIN DEFECTS. Identifiers: Orphanet 199, MedGen C1853099, MONDO:0012555, OMIM 610759.
SMC3-related disorder. Also called: SMC3-related condition.

Submissions (3):

Blueprint Genetics
Classification: Likely pathogenic for SMC3-related disorders. Last evaluated: 2023-04-14. Review status: criteria provided, single submitter. Criteria: ACMG Guidelines, 2015. Collection method: clinical testing. Allele origin: germline. Affected: yes. Observed: 1 variant allele.

Labcorp Genetics (formerly Invitae), Labcorp
Classification: Uncertain significance for Cornelia de Lange syndrome 3. Last evaluated: 2022-03-01. Review status: criteria provided, single submitter. Criteria: Invitae Variant Classification Sherloc (09022015). Collection method: clinical testing. Allele origin: germline.
Comment: In summary, the available evidence is currently insufficient to determine the role of this variant in disease. Therefore, it has been classified as a Variant of Uncertain Significance. Algorithms developed to predict the effect of missense changes on protein structure and function are either unavailable or do not agree on the potential impact of this missense change (SIFT: "Deleterious"; PolyPhen-2: "Probably Damaging"; Align-GVGD: "Class C0"). ClinVar contains an entry for this variant (Variation ID: 620076). This variant has not been reported in the literature in individuals affected with SMC3-related conditions. This variant is not present in population databases (gnomAD no frequency). This sequence change replaces arginine, which is basic and polar, with tryptophan, which is neutral and slightly polar, at codon 61 of the SMC3 protein (p.Arg61Trp).

Cytogénomique, Hospices Civils de Lyon
Classification: Likely pathogenic for Cornelia de Lange syndrome 3. Last evaluated: 2018-01-02. Review status: criteria provided, single submitter. Criteria: ACMG Guidelines, 2015. Collection method: clinical testing. Allele origin: de novo. Inheritance: Autosomal dominant inheritance. Affected: yes.